The following is an entry in ClinVar:

NM_022464.5(SIL1):c.1030-18G>A

Gene: SIL1 (SIL1 nucleotide exchange factor; minus strand). Cytogenetic location: 5q31.2.
Variant type: single nucleotide variant.
Coding change: c.1030-18G>A on transcript NM_022464.5 (MANE Select); 18 bases into the intron before coding-DNA position 1030, G replaced by A.
Molecular consequence: intron variant.
Genome position (GRCh38, 1-based): chr5:138,947,491, C>T on the plus strand (G>A on the coding strand, the complement: SIL1 is on the minus strand). VCF-style: chr5-138947491-C-T. GRCh37 (hg19) VCF-style: chr5-138283180-C-T.
Other names: c.1030-18G>A (NM_001037633.2).
Identifiers: ClinVar variation 2136336 (VCV002136336.5), dbSNP rs769052639, ClinGen allele CA501128.

ClinVar aggregate classification (germline): Conflicting classifications of pathogenicity. Review status: criteria provided, conflicting classifications (1 of 4 stars). 2 submissions from 2 submitters: Pathogenic (1); Uncertain significance (1). Last evaluated 2025-12-30.

Conditions:
Marinesco-Sjögren syndrome (MSS). Also called: Marinesco-Sjogren Syndrome; Marinesco-SjÃ¶gren syndrome. Identifiers: Orphanet 559, MedGen C0024814, MONDO:0009567, OMIM 248800.

Allele frequency attached by ClinVar (database versions not stated): gnomAD exomes 0.00001; TOPMed 0.00001; ExAC 0.00002.
gnomAD v4.1: 10 of 1,610,748 alleles (0.00062%); highest among the groups gnomAD compares: South Asian, 0.0033%; no homozygotes.

Submissions (2):

Labcorp Genetics (formerly Invitae), Labcorp
Classification: Pathogenic for Marinesco-Sjögren syndrome. Last evaluated: 2025-12-30. Review status: criteria provided, single submitter. Criteria: Invitae Variant Classification Sherloc (09022015). Collection method: clinical testing. Allele origin: germline.
Comment: This sequence change falls in intron 9 of the SIL1 gene. It does not directly change the encoded amino acid sequence of the SIL1 protein. RNA analysis indicates that this variant induces altered splicing and likely disrupts the C-terminus of the protein. This variant is present in population databases (rs769052639, gnomAD 0.003%). This variant has been observed in individual(s) with Marinesco-Sjogren syndrome (PMID: 16282977). In at least one individual the data is consistent with being in trans (on the opposite chromosome) from a pathogenic variant. It has also been observed to segregate with disease in related individuals. ClinVar contains an entry for this variant (Variation ID: 2136336). Studies have shown that this variant results in activation of a cryptic splice site in intron 9 and inclusion of 16 nucleotides in the mature transcript and introduces a new termination codon (PMID: 16282977). However the mRNA is not expected to undergo nonsense-mediated decay. For these reasons, this variant has been classified as Pathogenic.

3billion
Classification: Uncertain significance for Marinesco-Sjögren syndrome. Last evaluated: 2023-02-23. Review status: criteria provided, single submitter. Criteria: ACMG Guidelines, 2015. Collection method: clinical testing. Allele origin: unknown. Affected: yes.
Comment: This intron variant is observed at an extremely low frequency in the gnomAD v2.1.1 dataset (total allele frequency: 0.001%). In silico tools predict the variant to alter splicing and produce an abnormal transcript (SpliceAI: 0.99). This variant is classified as VUS according to the recommendation of ACMG/AMP guideline.

Literature cited by the submitters: PubMed 16282977 (cited by Labcorp Genetics (formerly Invitae), Labcorp).